The following is an entry in ClinVar:

NM_020822.3(KCNT1):c.3362C>G (p.Pro1121Arg)

Gene: KCNT1 (potassium sodium-activated channel subfamily T member 1; plus strand). Cytogenetic location: 9q34.3.
Variant type: single nucleotide variant.
Coding change: c.3362C>G on transcript NM_020822.3 (MANE Select); coding-DNA position 3362, C replaced by G.
Protein change: p.Pro1121Arg; replaces proline 1121 with arginine.
Molecular consequence: missense variant.
Genome position (GRCh38, 1-based): chr9:135,786,381, C>G. VCF-style: chr9-135786381-C-G. GRCh37 (hg19) VCF-style: chr9-138678227-C-G.
Other names: c.3227C>G, p.Pro1076Arg (NM_001272003.2); short protein forms P1076R, P1121R.
Identifiers: ClinVar variation 4796728 (VCV004796728.1).

ClinVar aggregate classification (germline): Likely benign (1 of 4 stars; one submission).

Conditions:
Autosomal dominant nocturnal frontal lobe epilepsy 5. Also called: CILIARY DYSKINESIA, PRIMARY, 28, WITH SITUS INVERSUS; Epilepsy, nocturnal frontal lobe, 5; CILIARY DYSKINESIA, PRIMARY, 28, WITHOUT SITUS INVERSUS; KCNT1-Related Epilepsy. Identifiers: Orphanet 98784, MedGen C3554306, MONDO:0014002, OMIM 615005.

Submission:

Centre for Medical Genetics,  Mumbai
Classification: Likely benign for Autosomal dominant nocturnal frontal lobe epilepsy 5. Last evaluated: 2026-02-21. Review status: criteria provided, single submitter. Criteria: ACMG Guidelines, 2015. Collection method: provider interpretation. Allele origin: germline. Inheritance: Autosomal dominant inheritance. Affected: no. Observed: 1 heterozygote.
Comment: The variant satisfies PM2 criteria; extremely low frequency in gnomAD population databases. The variant satisfies BP4 criteria; for a missense or a splice region variant, computational prediction tools unanimously support a benign effect on the gene. However, the variant satisfies BS2 criteria.

Literature cited by the submitters: PubMed 18479385.